The following is an entry in ClinVar:

ClinVar aggregate classification (germline): Uncertain significance. Review status: criteria provided, multiple submitters, no conflicts (2 of 4 stars). 2 submissions from 2 submitters: Uncertain significance (2). Last evaluated 2024-12-14.

Conditions:
EGFR-related lung cancer (EGFR). Identifiers: MedGen CN130014.
Hereditary cancer-predisposing syndrome. Also called: Neoplastic Syndromes, Hereditary; Tumor predisposition; Hereditary Cancer Syndrome; Hereditary neoplastic syndrome. Identifiers: Orphanet 140162, MedGen C0027672, MeSH D009386, MONDO:0015356.

Submissions (2):

Ambry Genetics
Classification: Uncertain significance for Hereditary cancer-predisposing syndrome. Last evaluated: 2024-12-14. Review status: criteria provided, single submitter. Criteria: Ambry Variant Classification Scheme 2023. Collection method: clinical testing. Allele origin: germline.
Comment: The p.M567R variant (also known as c.1700T>G), located in coding exon 14 of the EGFR gene, results from a T to G substitution at nucleotide position 1700. The methionine at codon 567 is replaced by arginine, an amino acid with similar properties. This amino acid position is conserved. In addition, this alteration is predicted to be tolerated by in silico analysis. Based on the available evidence, the clinical significance of this variant remains unclear.

Labcorp Genetics (formerly Invitae), Labcorp
Classification: Uncertain significance for EGFR-related lung cancer. Last evaluated: 2024-01-10. Review status: criteria provided, single submitter. Criteria: Invitae Variant Classification Sherloc (09022015). Collection method: clinical testing. Allele origin: germline.
Comment: This sequence change replaces methionine, which is neutral and non-polar, with arginine, which is basic and polar, at codon 567 of the EGFR protein (p.Met567Arg). This variant is not present in population databases (gnomAD no frequency). This variant has not been reported in the literature in individuals affected with EGFR-related conditions. Advanced modeling of protein sequence and biophysical properties (such as structural, functional, and spatial information, amino acid conservation, physicochemical variation, residue mobility, and thermodynamic stability) performed at Invitae indicates that this missense variant is not expected to disrupt EGFR protein function with a negative predictive value of 80%. In summary, the available evidence is currently insufficient to determine the role of this variant in disease. Therefore, it has been classified as a Variant of Uncertain Significance.

NM_005228.5(EGFR):c.1700T>G (p.Met567Arg)

Gene: EGFR (epidermal growth factor receptor; plus strand). Cytogenetic location: 7p11.2.
Variant type: single nucleotide variant.
Coding change: c.1700T>G on transcript NM_005228.5 (MANE Select); coding-DNA position 1700, T replaced by G.
Protein change: p.Met567Arg; replaces methionine 567 with arginine.
Molecular consequence: missense variant.
Genome position (GRCh38, 1-based): chr7:55,163,801, T>G. VCF-style: chr7-55163801-T-G. GRCh37 (hg19) VCF-style: chr7-55231494-T-G.
Other names: c.1565T>G, p.Met522Arg (NM_001346897.2, NM_001346899.2); c.1700T>G, p.Met567Arg (NM_001346898.2, NM_201282.2, NM_201284.2); c.1541T>G, p.Met514Arg (NM_001346900.2); c.899T>G, p.Met300Arg (NM_001346941.2); short protein forms M300R, M514R, M567R, M522R.
Identifiers: ClinVar variation 2780036 (VCV002780036.4), dbSNP rs2128944771, ClinGen allele CA367580552.
Genomic context (GRCh38, chr7:55,163,801, plus strand): 5'-GGGAGTTTGTGGAGAACTCTGAGTGCATACAGTGCCACCCAGAGTGCCTGCCTCAGGCCA[T>G]GAACATCACCTGCACAGGACGGGTAAGAGCCCCTTGCTGCTATCCACGTCCATTTCATGG-3'
Protein context (NP_005219.2, residues 557-577): QCHPECLPQA[Met567Arg]NITCTGRGPD